The following is an entry in ClinVar:

NM_014795.4(ZEB2):c.1072T>A (p.Ser358Thr)

Gene: ZEB2 (zinc finger E-box binding homeobox 2; minus strand). Cytogenetic location: 2q22.3.
Variant type: single nucleotide variant.
Coding change: c.1072T>A on transcript NM_014795.4 (MANE Select); coding-DNA position 1072, T replaced by A.
Protein change: p.Ser358Thr; replaces serine 358 with threonine.
Molecular consequence: missense variant.
Genome position (GRCh38, 1-based): chr2:144,400,115, A>T on the plus strand (T>A on the coding strand, the complement: ZEB2 is on the minus strand). VCF-style: chr2-144400115-A-T. GRCh37 (hg19) VCF-style: chr2-145157682-A-T.
Other names: c.1000T>A, p.Ser334Thr (NM_001171653.2); short protein forms S334T, S358T.
Identifiers: ClinVar variation 1439651 (VCV001439651.6), dbSNP rs2149877469, ClinGen allele CA348712738.

ClinVar aggregate classification (germline): Uncertain significance (1 of 4 stars; one submission).

Conditions:
Mowat-Wilson syndrome (MOWS). Also called: Classic Mowat-Wilson Syndrome. Identifiers: Orphanet 2152, MedGen C1856113, MONDO:0009341, OMIM 235730.

Submission:

Labcorp Genetics (formerly Invitae), Labcorp
Classification: Uncertain significance for Mowat-Wilson syndrome. Last evaluated: 2021-09-24. Review status: criteria provided, single submitter. Criteria: Invitae Variant Classification Sherloc (09022015). Collection method: clinical testing. Allele origin: germline.
Comment: In summary, the available evidence is currently insufficient to determine the role of this variant in disease. Therefore, it has been classified as a Variant of Uncertain Significance. Algorithms developed to predict the effect of missense changes on protein structure and function are either unavailable or do not agree on the potential impact of this missense change (SIFT: "Tolerated"; PolyPhen-2: "Probably Damaging"; Align-GVGD: "Class C0"). This missense change has been observed in individual(s) with clinical features of Mowat-Wilson syndrome (Invitae). This variant is not present in population databases (ExAC no frequency). This sequence change replaces serine with threonine at codon 358 of the ZEB2 protein (p.Ser358Thr). The serine residue is highly conserved and there is a small physicochemical difference between serine and threonine.